The following is an entry in ClinVar:

NM_000834.5(GRIN2B):c.2740G>A (p.Val914Met)

Gene: GRIN2B (glutamate ionotropic receptor NMDA type subunit 2B; minus strand). Cytogenetic location: 12p13.1.
Variant type: single nucleotide variant.
Coding change: c.2740G>A on transcript NM_000834.5 (MANE Select); coding-DNA position 2740, G replaced by A.
Protein change: p.Val914Met; replaces valine 914 with methionine.
Molecular consequence: missense variant.
Genome position (GRCh38, 1-based): chr12:13,564,498, C>T on the plus strand (G>A on the coding strand, the complement: GRIN2B is on the minus strand). VCF-style: chr12-13564498-C-T. GRCh37 (hg19) VCF-style: chr12-13717432-C-T.
Other names: short protein forms V914M.
Identifiers: ClinVar variation 1024769 (VCV001024769.9), dbSNP rs1039043750, ClinGen allele CA233134413.
Genomic context (GRCh38, chr12:13,564,498, plus strand): 5'-TGTCATAGACGGATGACTCCCGTCGGATGAAGTCCAGGGCGCTCTGCGGTGAGCCATTCA[C>T]ACCAGACAGGTTAGCCATGTTCTTGGCCGTGCGCAGCAGGCGCAGGATGTTGGAGTGTGT-3'
Protein context (NP_000825.2, residues 904-924): TAKNMANLSG[Val914Met]NGSPQSALDF

ClinVar aggregate classification (germline): Uncertain significance (1 of 4 stars; one submission).

Conditions:
Developmental and epileptic encephalopathy, 27 (DEE27). Also called: GRIN2B-Related Neurodevelopmental Disorder; Epileptic encephalopathy, early infantile, 27. Identifiers: Orphanet 3451, MedGen C4015316, MONDO:0014505, OMIM 616139.
Intellectual developmental disorder, autosomal dominant 6, with or without seizures. Also called: Intellectual disability, autosomal dominant 6; GRIN2B-related developmental delay, intellectual disability and autism spectrum disorder. Identifiers: Orphanet 589547, MedGen C3151411, MONDO:0013509, OMIM 613970.

Allele frequency attached by ClinVar (database versions not stated): gnomAD 0.00001; gnomAD exomes below 0.00001; TOPMed 0.00002.
gnomAD v4.1: 8 of 1,614,114 alleles (0.0005%); highest among the groups gnomAD compares: Non-Finnish European, 0.00068%; no homozygotes.

Submission:

Labcorp Genetics (formerly Invitae), Labcorp
Classification: Uncertain significance for Developmental and epileptic encephalopathy, 27; Intellectual developmental disorder, autosomal dominant 6, with or without seizures. Last evaluated: 2020-08-02. Review status: criteria provided, single submitter. Criteria: Invitae Variant Classification Sherloc (09022015). Collection method: clinical testing. Allele origin: germline.
Comment: In summary, the available evidence is currently insufficient to determine the role of this variant in disease. Therefore, it has been classified as a Variant of Uncertain Significance. Advanced modeling of protein sequence and biophysical properties (such as structural, functional, and spatial information, amino acid conservation, physicochemical variation, residue mobility, and thermodynamic stability) performed at Invitae indicates that this missense variant is not expected to disrupt GRIN2B protein function. This variant has not been reported in the literature in individuals with GRIN2B-related conditions. This variant is not present in population databases (ExAC no frequency). This sequence change replaces valine with methionine at codon 914 of the GRIN2B protein (p.Val914Met). The valine residue is moderately conserved and there is a small physicochemical difference between valine and methionine.